The following is an entry in ClinVar:

NM_000392.5(ABCC2):c.2440-2A>G

Gene: ABCC2 (ATP binding cassette subfamily C member 2; plus strand). Cytogenetic location: 10q24.2.
Variant type: single nucleotide variant.
Coding change: c.2440-2A>G on transcript NM_000392.5 (MANE Select); the canonical splice acceptor site of the intron before coding-DNA position 2440, A replaced by G.
Molecular consequence: splice acceptor variant.
Genome position (GRCh38, 1-based): chr10:99,819,087, A>G. VCF-style: chr10-99819087-A-G. GRCh37 (hg19) VCF-style: chr10-101578844-A-G.
Identifiers: ClinVar variation 3639185 (VCV003639185.2).

ClinVar aggregate classification (germline): Likely pathogenic (1 of 4 stars; one submission).

gnomAD v4.1: 1 of 1,614,146 alleles (0.000062%); highest among the groups gnomAD compares: East Asian, 0.0022%; no homozygotes.

Submission:

Labcorp Genetics (formerly Invitae), Labcorp
Classification: Likely pathogenic. Last evaluated: 2024-02-06. Review status: criteria provided, single submitter. Criteria: Invitae Variant Classification Sherloc (09022015). Collection method: clinical testing. Allele origin: germline.
Comment: This sequence change affects an acceptor splice site in intron 18 of the ABCC2 gene. It is expected to disrupt RNA splicing. Variants that disrupt the donor or acceptor splice site typically lead to a loss of protein function (PMID: 16199547), and loss-of-function variants in ABCC2 are known to be pathogenic (PMID: 9185779, 16549534, 16952291). This variant is not present in population databases (gnomAD no frequency). This variant has not been reported in the literature in individuals affected with ABCC2-related conditions. Algorithms developed to predict the effect of sequence changes on RNA splicing suggest that this variant may disrupt the consensus splice site. In summary, the currently available evidence indicates that the variant is pathogenic, but additional data are needed to prove that conclusively. Therefore, this variant has been classified as Likely Pathogenic.

Literature cited by the submitters: PubMed 16199547; PubMed 9185779; PubMed 16549534; PubMed 16952291.